The following is an entry in ClinVar:

NM_000287.4(PEX6):c.1429A>G (p.Thr477Ala)

Gene: PEX6 (peroxisomal biogenesis factor 6; minus strand). Cytogenetic location: 6p21.1.
Variant type: single nucleotide variant.
Coding change: c.1429A>G on transcript NM_000287.4 (MANE Select); coding-DNA position 1429, A replaced by G.
Protein change: p.Thr477Ala; replaces threonine 477 with alanine.
Molecular consequence: missense variant. On other transcripts: non-coding transcript variant (1).
Genome position (GRCh38, 1-based): chr6:42,968,924, T>C on the plus strand (A>G on the coding strand, the complement: PEX6 is on the minus strand). VCF-style: chr6-42968924-T-C. GRCh37 (hg19) VCF-style: chr6-42936662-T-C.
Other names: c.1165A>G, p.Thr389Ala (NM_001316313.2); short protein forms T389A, T477A.
Identifiers: ClinVar variation 1383687 (VCV001383687.5), dbSNP rs2114245927, ClinGen allele CA364155304.

ClinVar aggregate classification (germline): Uncertain significance (1 of 4 stars; one submission).

Conditions:
Peroxisome biogenesis disorder. Identifiers: Orphanet 79189, MedGen C1832200, MONDO:0019234. Disease mechanism: loss of function.

Submission:

Labcorp Genetics (formerly Invitae), Labcorp
Classification: Uncertain significance for Peroxisome biogenesis disorder. Last evaluated: 2022-08-16. Review status: criteria provided, single submitter. Criteria: Invitae Variant Classification Sherloc (09022015). Collection method: clinical testing. Allele origin: germline.
Comment: This sequence change replaces threonine, which is neutral and polar, with alanine, which is neutral and non-polar, at codon 477 of the PEX6 protein (p.Thr477Ala). This variant is not present in population databases (gnomAD no frequency). This variant has not been reported in the literature in individuals affected with PEX6-related conditions. ClinVar contains an entry for this variant (Variation ID: 1383687). Algorithms developed to predict the effect of missense changes on protein structure and function (SIFT, PolyPhen-2, Align-GVGD) all suggest that this variant is likely to be tolerated. In summary, the available evidence is currently insufficient to determine the role of this variant in disease. Therefore, it has been classified as a Variant of Uncertain Significance.